The following is an entry in ClinVar:

NM_001369268.1(ACAN):c.2051_2053del (p.Gly684del)

Gene: ACAN (aggrecan; plus strand). Cytogenetic location: 15q26.1.
Variant type: Deletion.
Coding change: c.2051_2053del on transcript NM_001369268.1 (MANE Select); coding-DNA positions 2051 to 2053, 3 bases deleted (GAG; older notation c.2051_2053delGAG).
Protein change: p.Gly684del; deletes glycine 684.
Molecular consequence: inframe deletion. On other transcripts: inframe indel (2).
Genome position (GRCh38, 1-based): chr15:88,851,818-88,851,820, GAG deleted; deleting any 3 consecutive bases within chr15:88,851,816-88,851,820 gives the same sequence; the c. name uses the placement nearest the transcript's 3' end. VCF-style (leftmost placement, unchanged base first): chr15-88851815-CAGG-C. GRCh37 (hg19) VCF-style: chr15-89395046-CAGG-C.
Other names: c.2051_2053del, p.Gly684del (NM_001135.4, NM_013227.4); c.2051_2053delGAG, p.Gly684del (NM_001411096.1, NM_001411097.1); short protein forms G684del.
Identifiers: ClinVar variation 2113100 (VCV002113100.4), dbSNP rs2505294628, ClinGen allele CA2580090130.

ClinVar aggregate classification (germline): Uncertain significance (1 of 4 stars; one submission).

Submission:

Labcorp Genetics (formerly Invitae), Labcorp
Classification: Uncertain significance. Last evaluated: 2023-08-02. Review status: criteria provided, single submitter. Criteria: Invitae Variant Classification Sherloc (09022015). Collection method: clinical testing. Allele origin: germline.
Comment: In summary, the available evidence is currently insufficient to determine the role of this variant in disease. Therefore, it has been classified as a Variant of Uncertain Significance. Experimental studies and prediction algorithms are not available or were not evaluated, and the functional significance of this variant is currently unknown. ClinVar contains an entry for this variant (Variation ID: 2113100). This variant has not been reported in the literature in individuals affected with ACAN-related conditions. This variant is not present in population databases (gnomAD no frequency). This variant, c.2051_2053del, results in the deletion of 1 amino acid(s) of the ACAN protein (p.Gly684del), but otherwise preserves the integrity of the reading frame.